The following is an entry in ClinVar:

NM_005751.5(AKAP9):c.10272A>T (p.Gln3424His)

Gene: AKAP9 (A-kinase anchoring protein 9; plus strand). Cytogenetic location: 7q21.2.
Variant type: single nucleotide variant.
Coding change: c.10272A>T on transcript NM_005751.5 (MANE Select); coding-DNA position 10272, A replaced by T.
Protein change: p.Gln3424His; replaces glutamine 3424 with histidine.
Molecular consequence: missense variant.
Genome position (GRCh38, 1-based): chr7:92,097,231, A>T. VCF-style: chr7-92097231-A-T. GRCh37 (hg19) VCF-style: chr7-91726545-A-T.
Other names: c.4917A>T, p.Gln1639His (NM_001379277.1); c.10248A>T, p.Gln3416His (NM_147185.3); short protein forms Q3416H, Q3424H, Q1639H.
Identifiers: ClinVar variation 1510348 (VCV001510348.10), dbSNP rs1397831091, ClinGen allele CA368154693.
Genomic context (GRCh38, chr7:92,097,231, plus strand): 5'-AATGCATGAGCTCCAGTCCAAAGTGGAAGATCTTCAGCGCCAGCTGGAAGAGAAAAGACA[A>T]CAAGTTTATAAGTTAGACCTTGAAGGACAGCGACTACAAGGAATCATGCAGGAATTCCAG-3'
Protein context (NP_005742.4, residues 3414-3434): DLQRQLEEKR[Gln3424His]QVYKLDLEGQ

ClinVar aggregate classification (germline): Uncertain significance. Review status: criteria provided, multiple submitters, no conflicts (2 of 4 stars). 2 submissions from 2 submitters: Uncertain significance (2). Last evaluated 2021-01-20.

Conditions:
Cardiovascular phenotype. Identifiers: MedGen CN230736.
Long QT syndrome (LQTS). Identifiers: MedGen C0023976, MeSH D008133, MONDO:0002442. Disease mechanism: loss of function. Inheritance: Various modes of inheritance.

Allele frequency attached by ClinVar (database versions not stated): gnomAD exomes below 0.00001; TOPMed below 0.00001.
gnomAD v4.1: 2 of 1,612,810 alleles (0.00012%); highest among the groups gnomAD compares: Non-Finnish European, 0.00017%; no homozygotes.

Submissions (2):

Ambry Genetics
Classification: Uncertain significance for Cardiovascular phenotype. Last evaluated: 2021-01-20. Review status: criteria provided, single submitter. Criteria: Ambry Variant Classification Scheme 2023. Collection method: clinical testing. Allele origin: germline.

Labcorp Genetics (formerly Invitae), Labcorp
Classification: Uncertain significance for Long QT syndrome. Last evaluated: 2020-11-06. Review status: criteria provided, single submitter. Criteria: Invitae Variant Classification Sherloc (09022015). Collection method: clinical testing. Allele origin: germline.
Comment: This variant is not present in population databases (ExAC no frequency). In summary, the available evidence is currently insufficient to determine the role of this variant in disease. Therefore, it has been classified as a Variant of Uncertain Significance. Algorithms developed to predict the effect of missense changes on protein structure and function are either unavailable or do not agree on the potential impact of this missense change (SIFT: "Deleterious"; PolyPhen-2: "Probably Damaging"; Align-GVGD: "Class C0"). This variant has not been reported in the literature in individuals with AKAP9-related conditions. This sequence change replaces glutamine with histidine at codon 3424 of the AKAP9 protein (p.Gln3424His). The glutamine residue is moderately conserved and there is a small physicochemical difference between glutamine and histidine.